The following is an entry in ClinVar:

NM_001042646.3(TRAK1):c.2157C>G (p.Ser719Arg)

Gene: TRAK1 (trafficking kinesin protein 1; plus strand). Cytogenetic location: 3p22.1.
Variant type: single nucleotide variant.
Coding change: c.2157C>G on transcript NM_001042646.3 (MANE Select); coding-DNA position 2157, C replaced by G.
Protein change: p.Ser719Arg; replaces serine 719 with arginine.
Molecular consequence: missense variant. On other transcripts: 3 prime UTR variant (1), non-coding transcript variant (1).
Genome position (GRCh38, 1-based): chr3:42,223,032, C>G. VCF-style: chr3-42223032-C-G. GRCh37 (hg19) VCF-style: chr3-42264524-C-G.
Other names: c.2094C>G, p.Ser698Arg (NM_001349246.2); c.*111C>G (NM_001349247.2); c.1872C>G, p.Ser624Arg (NM_001349248.1); c.1935C>G, p.Ser645Arg (NM_001349249.1); c.1983C>G, p.Ser661Arg (NM_001410741.1); c.1782C>G, p.Ser594Arg (NM_001349245.1); short protein forms S594R, S624R, S645R, S661R, S698R, S719R.
Identifiers: ClinVar variation 4865899 (VCV004865899.2).

ClinVar aggregate classification (germline): Uncertain significance. Review status: criteria provided, multiple submitters, no conflicts (2 of 4 stars). 2 submissions from 2 submitters: Uncertain significance (2). Last evaluated 2026-03-17.

Conditions:
Inborn genetic diseases. Identifiers: MedGen C0950123, MeSH D030342.

gnomAD v4.1: 81 of 1,613,998 alleles (0.005%); highest among the groups gnomAD compares: Non-Finnish European, 0.0066%; no homozygotes.

Submissions (2):

Ambry Genetics
Classification: Uncertain significance for Inborn genetic diseases. Last evaluated: 2026-03-17. Review status: criteria provided, single submitter. Criteria: Ambry Variant Classification Scheme 2023. Collection method: clinical testing. Allele origin: germline.
Comment: The c.2157C>G (p.S719R) alteration is located in exon 16 (coding exon 16) of the TRAK1 gene. This alteration results from a C to G substitution at nucleotide position 2157, causing the serine (S) at amino acid position 719 to be replaced by an arginine (R). Based on data from gnomAD, the G allele has an overall frequency of 0.003% (9/280880) total alleles studied. The highest observed frequency was 0.007% (9/128712) of European (non-Finnish) alleles. Based on insufficient or conflicting evidence, the clinical significance of this alteration remains unclear.

Blueprint Genetics
Classification: Uncertain significance. Last evaluated: 2023-08-10. Review status: criteria provided, single submitter. Criteria: ACMG Guidelines, 2015. Collection method: clinical testing. Allele origin: germline.